The following is an entry in ClinVar:

NM_000064.4(C3):c.4573G>A (p.Asp1525Asn)

Gene: C3 (complement C3; minus strand). Cytogenetic location: 19p13.3.
Variant type: single nucleotide variant.
Coding change: c.4573G>A on transcript NM_000064.4 (MANE Select); coding-DNA position 4573, G replaced by A.
Protein change: p.Asp1525Asn; replaces aspartic acid 1525 with asparagine.
Molecular consequence: missense variant.
Genome position (GRCh38, 1-based): chr19:6,679,182, C>T on the plus strand (G>A on the coding strand, the complement: C3 is on the minus strand). VCF-style: chr19-6679182-C-T. GRCh37 (hg19) VCF-style: chr19-6679193-C-T.
Other names: short protein forms D1525N.
Identifiers: ClinVar variation 2896220 (VCV002896220.3), dbSNP rs141010917, ClinGen allele CA304771494.

ClinVar aggregate classification (germline): Uncertain significance (1 of 4 stars; one submission).

Allele frequency attached by ClinVar (database versions not stated): ESP Exome Variant Server 0.00008; gnomAD 0.00001; gnomAD exomes 0.00002; TOPMed 0.00001.
gnomAD v4.1: 36 of 1,614,098 alleles (0.0022%); highest among the groups gnomAD compares: Non-Finnish European, 0.003%; no homozygotes.

Submission:

Labcorp Genetics (formerly Invitae), Labcorp
Classification: Uncertain significance. Last evaluated: 2025-11-20. Review status: criteria provided, single submitter. Criteria: Invitae Variant Classification Sherloc (09022015). Collection method: clinical testing. Allele origin: germline.
Comment: This sequence change replaces aspartic acid, which is acidic and polar, with asparagine, which is neutral and polar, at codon 1525 of the C3 protein (p.Asp1525Asn). This variant is present in population databases (rs141010917, gnomAD 0.003%). This variant has not been reported in the literature in individuals affected with C3-related conditions. ClinVar contains an entry for this variant (Variation ID: 2896220). Invitae Evidence Modeling of protein sequence and biophysical properties (such as structural, functional, and spatial information, amino acid conservation, physicochemical variation, residue mobility, and thermodynamic stability) indicates that this missense variant is not expected to disrupt C3 protein function with a negative predictive value of 80%. In summary, the available evidence is currently insufficient to determine the role of this variant in disease. Therefore, it has been classified as a Variant of Uncertain Significance.